The following is an entry in ClinVar:

NM_001036.6(RYR3):c.8445G>T (p.Arg2815Ser)

Gene: RYR3 (ryanodine receptor 3; plus strand). Cytogenetic location: 15q14.
Variant type: single nucleotide variant.
Coding change: c.8445G>T on transcript NM_001036.6 (MANE Select); coding-DNA position 8445, G replaced by T.
Protein change: p.Arg2815Ser; replaces arginine 2815 with serine.
Molecular consequence: missense variant.
Genome position (GRCh38, 1-based): chr15:33,755,110, G>T. VCF-style: chr15-33755110-G-T. GRCh37 (hg19) VCF-style: chr15-34047311-G-T.
Other names: c.8445G>T, p.Arg2815Ser (NM_001243996.4); short protein forms R2815S.
Identifiers: ClinVar variation 860316 (VCV000860316.9), dbSNP rs867153299, ClinGen allele CA268568993.
Genomic context (GRCh38, chr15:33,755,110, plus strand): 5'-CCATGTCCAACGTAGGGGTATGAAGGATATGGAGCTGGATGCCTCCTCCATGGAGAAGAG[G>T]TTTGCCTATAAGTTCTTGAAGAAGATCCTGAAATACGTTGATTCTGCTCAAGAATTTATT-3'
Protein context (NP_001027.3, residues 2805-2825): MELDASSMEK[Arg2815Ser]FAYKFLKKIL

ClinVar aggregate classification (germline): Uncertain significance (1 of 4 stars; one submission).

Conditions:
Epileptic encephalopathy. Identifiers: MedGen C0543888, HP:0200134.

Allele frequency attached by ClinVar (database versions not stated): gnomAD exomes below 0.00001.

Submission:

Labcorp Genetics (formerly Invitae), Labcorp
Classification: Uncertain significance for Epileptic encephalopathy. Last evaluated: 2022-07-12. Review status: criteria provided, single submitter. Criteria: Invitae Variant Classification Sherloc (09022015). Collection method: clinical testing. Allele origin: germline.
Comment: Algorithms developed to predict the effect of missense changes on protein structure and function are either unavailable or do not agree on the potential impact of this missense change (SIFT: "Deleterious"; PolyPhen-2: "Probably Damaging"; Align-GVGD: "Class C0"). This sequence change replaces arginine, which is basic and polar, with serine, which is neutral and polar, at codon 2815 of the RYR3 protein (p.Arg2815Ser). This variant is present in population databases (no rsID available, gnomAD 0.0009%). This variant has not been reported in the literature in individuals affected with RYR3-related conditions. ClinVar contains an entry for this variant (Variation ID: 860316). In summary, the available evidence is currently insufficient to determine the role of this variant in disease. Therefore, it has been classified as a Variant of Uncertain Significance.